The following is an entry in ClinVar:

NM_006206.6(PDGFRA):c.1474A>G (p.Lys492Glu)

Gene: PDGFRA (platelet derived growth factor receptor alpha; plus strand). Cytogenetic location: 4q12.
Variant type: single nucleotide variant.
Coding change: c.1474A>G on transcript NM_006206.6 (MANE Select); coding-DNA position 1474, A replaced by G.
Protein change: p.Lys492Glu; replaces lysine 492 with glutamic acid.
Molecular consequence: missense variant.
Genome position (GRCh38, 1-based): chr4:54,273,646, A>G. VCF-style: chr4-54273646-A-G. GRCh37 (hg19) VCF-style: chr4-55139813-A-G.
Other names: c.1474A>G, p.Lys492Glu (NM_001347827.2, NM_001347829.2); c.1549A>G, p.Lys517Glu (NM_001347828.2); c.1513A>G, p.Lys505Glu (NM_001347830.2); short protein forms K492E, K517E, K505E.
Identifiers: ClinVar variation 2961119 (VCV002961119.4), dbSNP rs1723537368, ClinGen allele CA356892638.

ClinVar aggregate classification (germline): Uncertain significance. Review status: criteria provided, multiple submitters, no conflicts (2 of 4 stars). 2 submissions from 2 submitters: Uncertain significance (2). Last evaluated 2025-03-31.

Conditions:
Gastrointestinal stromal tumor. Also called: Gastrointestinal stromal tumor, somatic; Gastrointestinal stroma tumor. Identifiers: Orphanet 44890, MedGen C0238198, MeSH D046152, MONDO:0011719, OMIM 606764, HP:0100723.
Hereditary cancer-predisposing syndrome. Also called: Neoplastic Syndromes, Hereditary; Hereditary neoplastic syndrome; Tumor predisposition; Hereditary Cancer Syndrome. Identifiers: Orphanet 140162, MedGen C0027672, MeSH D009386, MONDO:0015356.

Submissions (2):

Labcorp Genetics (formerly Invitae), Labcorp
Classification: Uncertain significance for Gastrointestinal stromal tumor. Last evaluated: 2025-03-31. Review status: criteria provided, single submitter. Criteria: Invitae Variant Classification Sherloc (09022015). Collection method: clinical testing. Allele origin: germline.
Comment: This sequence change replaces lysine, which is basic and polar, with glutamic acid, which is acidic and polar, at codon 492 of the PDGFRA protein (p.Lys492Glu). This variant is not present in population databases (gnomAD no frequency). This variant has not been reported in the literature in individuals affected with PDGFRA-related conditions. ClinVar contains an entry for this variant (Variation ID: 2961119). Invitae Evidence Modeling of protein sequence and biophysical properties (such as structural, functional, and spatial information, amino acid conservation, physicochemical variation, residue mobility, and thermodynamic stability) indicates that this missense variant is not expected to disrupt PDGFRA protein function with a negative predictive value of 80%. In summary, the available evidence is currently insufficient to determine the role of this variant in disease. Therefore, it has been classified as a Variant of Uncertain Significance.

Ambry Genetics
Classification: Uncertain significance for Hereditary cancer-predisposing syndrome. Last evaluated: 2025-01-20. Review status: criteria provided, single submitter. Criteria: Ambry Variant Classification Scheme 2023. Collection method: clinical testing. Allele origin: germline.
Comment: The p.K492E variant (also known as c.1474A>G), located in coding exon 9 of the PDGFRA gene, results from an A to G substitution at nucleotide position 1474. The lysine at codon 492 is replaced by glutamic acid, an amino acid with similar properties. This amino acid position is conserved. In addition, the in silico prediction for this alteration is inconclusive. Based on the available evidence, the clinical significance of this variant remains unclear.